The following is an entry in ClinVar:

NM_001706.5(BCL6):c.1840-7C>T

Genes: BCL6 (BCL6 transcription repressor; minus strand), LOC100131635 (hCG1645011-like; plus strand). Cytogenetic location: 3q27.3.
Variant type: single nucleotide variant.
Coding change: c.1840-7C>T on transcript NM_001706.5 (MANE Select); 7 bases into the intron before coding-DNA position 1840, C replaced by T.
Molecular consequence: intron variant.
Genome position (GRCh38, 1-based): chr3:187,725,085, G>A on the plus strand (C>T on the coding strand, the complement: BCL6 is on the minus strand). VCF-style: chr3-187725085-G-A. GRCh37 (hg19) VCF-style: chr3-187442873-G-A.
Other names: c.1672-7C>T (NM_001134738.2); c.1840-7C>T (NM_001130845.2).
Identifiers: ClinVar variation 734312 (VCV000734312.25), dbSNP rs200061573, ClinGen allele CA2750482.

ClinVar aggregate classification (germline): Likely benign. Review status: criteria provided, multiple submitters, no conflicts (2 of 4 stars). 2 submissions from 2 submitters: Likely benign (2). Last evaluated 2024-03-01.

Allele frequency attached by ClinVar (database versions not stated): gnomAD 0.00011 and 0.00015; TOPMed 0.00011; ESP Exome Variant Server 0.00031; gnomAD exomes 0.00038; ExAC 0.00040.
gnomAD v4.1: 361 of 1,613,556 alleles (0.022%); highest among the groups gnomAD compares: South Asian, 0.17%; 4 homozygotes.

Submissions (2):

CeGaT Center for Human Genetics Tuebingen
Classification: Likely benign. Last evaluated: 2024-03-01. Review status: criteria provided, single submitter. Criteria: CeGaT Center For Human Genetics Tuebingen Variant Classification Criteria Version 2. Collection method: clinical testing. Allele origin: germline. Affected: yes. Observed: 1 variant allele.
Comment: BCL6: BP4

Labcorp Genetics (formerly Invitae), Labcorp
Classification: Likely benign. Last evaluated: 2019-12-31. Review status: criteria provided, single submitter. Criteria: Invitae Variant Classification Sherloc (09022015). Collection method: clinical testing. Allele origin: germline.